The following is an entry in ClinVar:

NC_000003.12:g.169764704A>G

Genes: TERC (telomerase RNA component; minus strand), LOC110806306 (telomerase RNA component (TERC) promoter; plus strand). Cytogenetic location: 3q26.2.
Variant type: single nucleotide variant.
Genome position: GRCh38 VCF-style: chr3-169764704-A-G. GRCh37 (hg19) VCF-style: chr3-169482492-A-G.
Identifiers: ClinVar variation 1429197 (VCV001429197.6), dbSNP rs569827301, ClinGen allele CA2696794.

ClinVar aggregate classification (germline): Uncertain significance (1 of 4 stars; one submission).

Conditions:
Dyskeratosis congenita, autosomal dominant 1 (DKCA1). Also called: Dyskeratosis congenita Scoggins type. Identifiers: Orphanet 1775, MedGen C4551974, MONDO:0007485, OMIM 127550. Inheritance: Variable.

Allele frequency attached by ClinVar (database versions not stated): gnomAD 0.00001; gnomAD exomes 0.00001 and 0.00002; ExAC 0.00003; 1000 Genomes Project 30x 0.00016; 1000 Genomes Project 0.00020.
gnomAD v4.1: 4 of 761,230 alleles (0.00053%); highest among the groups gnomAD compares: East Asian, 0.0097%; no homozygotes.

Submission:

Labcorp Genetics (formerly Invitae), Labcorp
Classification: Uncertain significance for Dyskeratosis congenita, autosomal dominant 1. Last evaluated: 2025-07-18. Review status: criteria provided, single submitter. Criteria: Invitae Variant Classification Sherloc (09022015). Collection method: clinical testing. Allele origin: germline.
Comment: This variant occurs in the TERC gene, which encodes an RNA molecule that does not result in a protein product. This variant is present in population databases (rs569827301, gnomAD 0.02%). This variant has not been reported in the literature in individuals affected with TERC-related conditions. ClinVar contains an entry for this variant (Variation ID: 1429197). This variant is located within the BoxH/ACA scaRNA domain of the TERC RNA component, which is required for telomerase activity (PMID: 21844345). In summary, the available evidence is currently insufficient to determine the role of this variant in disease. Therefore, it has been classified as a Variant of Uncertain Significance.

Literature cited by the submitters: PubMed 21844345.